The following is an entry in ClinVar:

NM_000135.4(FANCA):c.2862C>G (p.Phe954Leu)

Gene: FANCA (FA complementation group A; minus strand). Cytogenetic location: 16q24.3.
Variant type: single nucleotide variant.
Coding change: c.2862C>G on transcript NM_000135.4 (MANE Select); coding-DNA position 2862, C replaced by G.
Protein change: p.Phe954Leu; replaces phenylalanine 954 with leucine.
Molecular consequence: missense variant.
Genome position (GRCh38, 1-based): chr16:89,758,696, G>C on the plus strand (C>G on the coding strand, the complement: FANCA is on the minus strand). VCF-style: chr16-89758696-G-C. GRCh37 (hg19) VCF-style: chr16-89825104-G-C.
Other names: c.2862C>G (NM_000135.2, NM_000135.3); c.2862C>G, p.Phe954Leu (NM_001286167.3); short protein forms F954L.
Identifiers: ClinVar variation 992111 (VCV000992111.8), dbSNP rs2038844439, ClinGen allele CA397431567.

ClinVar aggregate classification (germline): Uncertain significance. Review status: criteria provided, multiple submitters, no conflicts (2 of 4 stars). 5 submissions from 5 submitters: Uncertain significance (4). 1 of the submissions does not count toward it. Last evaluated 2025-02-05.

Conditions:
Fanconi anemia (FA). Also called: Fanconi's anemia. Identifiers: Orphanet 84, MedGen C0015625, MeSH D005199, MONDO:0019391.
Inborn genetic diseases. Identifiers: MedGen C0950123, MeSH D030342.
Fanconi anemia complementation group A (FANCA). Also called: Fanconi anemia, group A; FANCA-Related Fanconi Anemia. Identifiers: Orphanet 84, MedGen C3469521, MONDO:0009215, OMIM 227650.

Allele frequency attached by ClinVar (database versions not stated): gnomAD exomes below 0.00001; TOPMed below 0.00001.
gnomAD v4.1: 2 of 1,613,740 alleles (0.00012%); highest among the groups gnomAD compares: Admixed American, 0.0017%; no homozygotes.

Submissions (5):

Quest Diagnostics Nichols Institute San Juan Capistrano
Classification: Uncertain significance. Last evaluated: 2025-02-05. Review status: criteria provided, single submitter. Criteria: Quest Diagnostics criteria. Collection method: clinical testing. Allele origin: unknown.
Comment: The FANCA c.2862C>G (p.Phe954Leu) variant has not been reported in individuals with FANCA-related conditions in the published literature. It also has not been reported in large, multi-ethnic general populations (Genome Aggregation Database). Analysis of this variant using bioinformatics tools for the prediction of the effect of amino acid changes on protein structure and function yielded conflicting predictions that this variant is benign or damaging. Based on the available information, we are unable to determine the clinical significance of this variant.

Ambry Genetics
Classification: Uncertain significance for Inborn genetic diseases. Last evaluated: 2024-12-08. Review status: criteria provided, single submitter. Criteria: Ambry Variant Classification Scheme 2023. Collection method: clinical testing. Allele origin: germline.
Comment: The p.F954L variant (also known as c.2862C>G), located in coding exon 30 of the FANCA gene, results from a C to G substitution at nucleotide position 2862. The phenylalanine at codon 954 is replaced by leucine, an amino acid with highly similar properties. This amino acid position is conserved. In addition, this alteration is predicted to be deleterious by in silico analysis. Based on the available evidence, the clinical significance of this variant remains unclear.

Labcorp Genetics (formerly Invitae), Labcorp
Classification: Uncertain significance for Fanconi anemia. Last evaluated: 2022-05-06. Review status: criteria provided, single submitter. Criteria: Invitae Variant Classification Sherloc (09022015). Collection method: clinical testing. Allele origin: germline.
Comment: This sequence change replaces phenylalanine, which is neutral and non-polar, with leucine, which is neutral and non-polar, at codon 954 of the FANCA protein (p.Phe954Leu). This variant is not present in population databases (gnomAD no frequency). This variant has not been reported in the literature in individuals affected with FANCA-related conditions. ClinVar contains an entry for this variant (Variation ID: 992111). Advanced modeling of protein sequence and biophysical properties (such as structural, functional, and spatial information, amino acid conservation, physicochemical variation, residue mobility, and thermodynamic stability) performed at Invitae indicates that this missense variant is expected to disrupt FANCA protein function. In summary, the available evidence is currently insufficient to determine the role of this variant in disease. Therefore, it has been classified as a Variant of Uncertain Significance.

Fulgent Genetics
Classification: Uncertain significance for Fanconi anemia complementation group A. Last evaluated: 2021-12-05. Review status: criteria provided, single submitter. Criteria: ACMG Guidelines, 2015. Collection method: clinical testing. Allele origin: unknown.

Natera, Inc.
Classification: Uncertain significance for Fanconi anemia, group A. Last evaluated: 2020-08-16. Review status: no assertion criteria provided. Collection method: clinical testing. Allele origin: germline. Not counted in ClinVar's aggregate classification.